The following is an entry in ClinVar:

ClinVar aggregate classification (germline): Uncertain significance. Review status: criteria provided, multiple submitters, no conflicts (2 of 4 stars). 3 submissions from 3 submitters: Uncertain significance (3). Last evaluated 2024-06-02.

Conditions:
Hereditary pancreatitis (PCTT). Also called: Hereditary chronic pancreatitis; PRSS1-Related Hereditary Pancreatitis. Identifiers: Orphanet 676, MedGen C0238339, MONDO:0008185, OMIM 167800.

Allele frequency attached by ClinVar (database versions not stated): TOPMed 0.00001.

Submissions (3):

Labcorp Genetics (formerly Invitae), Labcorp
Classification: Uncertain significance for Hereditary pancreatitis. Last evaluated: 2024-06-02. Review status: criteria provided, single submitter. Criteria: Invitae Variant Classification Sherloc (09022015). Collection method: clinical testing. Allele origin: germline.
Comment: This sequence change replaces glutamic acid, which is acidic and polar, with glycine, which is neutral and non-polar, at codon 63 of the SPINK1 protein (p.Glu63Gly). This variant is not present in population databases (gnomAD no frequency). This variant has not been reported in the literature in individuals affected with SPINK1-related conditions. ClinVar contains an entry for this variant (Variation ID: 932226). An algorithm developed to predict the effect of missense changes on protein structure and function (PolyPhen-2) suggests that this variant is likely to be disruptive. In summary, the available evidence is currently insufficient to determine the role of this variant in disease. Therefore, it has been classified as a Variant of Uncertain Significance.

Ambry Genetics
Classification: Uncertain significance for Hereditary pancreatitis. Last evaluated: 2022-01-16. Review status: criteria provided, single submitter. Criteria: Ambry Variant Classification Scheme 2023. Collection method: clinical testing. Allele origin: germline.
Comment: The p.E63G variant (also known as c.188A>G), located in coding exon 3 of the SPINK1 gene, results from an A to G substitution at nucleotide position 188. The glutamic acid at codon 63 is replaced by glycine, an amino acid with similar properties. This amino acid position is conserved. In addition, the in silico prediction for this alteration is inconclusive. Since supporting evidence is limited at this time, the clinical significance of this alteration remains unclear.

Women's Health and Genetics/Laboratory Corporation of America, LabCorp
Classification: Uncertain significance. Last evaluated: 2020-05-28. Review status: criteria provided, single submitter. Criteria: LabCorp Variant Classification Summary - May 2015. Collection method: clinical testing. Allele origin: germline.
Comment: Variant summary: SPINK1 c.188A>G (p.Glu63Gly) results in a non-conservative amino acid change located in the Kazal domain (IPR002350) of the encoded protein sequence. Four of five in-silico tools predict a damaging effect of the variant on protein function. The variant was absent in 249540 control chromosomes (gnomAD). The available data on variant occurrences in the general population are insufficient to allow any conclusion about variant significance. To our knowledge, no occurrence of c.188A>G in individuals affected with Chronic Pancreatitis Risk and no experimental evidence demonstrating its impact on protein function have been reported. No clinical diagnostic laboratories have submitted clinical-significance assessments for this variant to ClinVar after 2014. Based on the evidence outlined above, the variant was classified as uncertain significance.

NM_001379610.1(SPINK1):c.188A>G (p.Glu63Gly)

Gene: SPINK1 (serine peptidase inhibitor Kazal type 1; minus strand). Cytogenetic location: 5q32.
Variant type: single nucleotide variant.
Coding change: c.188A>G on transcript NM_001379610.1 (MANE Select); coding-DNA position 188, A replaced by G.
Protein change: p.Glu63Gly; replaces glutamic acid 63 with glycine.
Molecular consequence: missense variant.
Genome position (GRCh38, 1-based): chr5:147,828,028, T>C on the plus strand (A>G on the coding strand, the complement: SPINK1 is on the minus strand). VCF-style: chr5-147828028-T-C. GRCh37 (hg19) VCF-style: chr5-147207591-T-C.
Other names: c.188A>G, p.Glu63Gly (NM_001354966.2, NM_003122.5); short protein forms E63G.
Identifiers: ClinVar variation 932226 (VCV000932226.5), dbSNP rs1223176202, ClinGen allele CA361885171.